The following is an entry in ClinVar:

NM_001372044.2(SHANK3):c.3404C>G (p.Thr1135Ser)

Gene: SHANK3 (SH3 and multiple ankyrin repeat domains 3; plus strand). Cytogenetic location: 22q13.33.
Variant type: single nucleotide variant.
Coding change: c.3404C>G on transcript NM_001372044.2 (MANE Select); coding-DNA position 3404, C replaced by G.
Protein change: p.Thr1135Ser; replaces threonine 1135 with serine.
Molecular consequence: missense variant.
Genome position (GRCh38, 1-based): chr22:50,721,012, C>G. VCF-style: chr22-50721012-C-G. GRCh37 (hg19) VCF-style: chr22-51159440-C-G.
Other names: c.3179C>G, p.Thr1060Ser (NM_033517.1); short protein forms T1060S, T1135S.
Identifiers: ClinVar variation 3046475 (VCV003046475.2), dbSNP rs747251155, ClinGen allele CA10325972.

ClinVar aggregate classification (germline): Uncertain significance (0 of 4 stars; one submission).

Conditions:
SHANK3-related disorder. Also called: SHANK3-related condition.

Allele frequency attached by ClinVar (database versions not stated): ExAC 0.00001; gnomAD 0.00003; TOPMed 0.00007; gnomAD exomes 0.00017.

Submission:

PreventionGenetics, part of Exact Sciences
Classification: Uncertain significance for SHANK3-related condition. Last evaluated: 2024-01-25. Review status: no assertion criteria provided. Collection method: clinical testing. Allele origin: germline.
Comment: The SHANK3 c.3179C>G variant is predicted to result in the amino acid substitution p.Thr1060Ser. To our knowledge, this variant has not been reported in the literature. This variant is reported in 0.0097% of alleles in individuals of European (Non-Finnish) descent in gnomAD. At this time, the clinical significance of this variant is uncertain due to the absence of conclusive functional and genetic evidence.